The following is an entry in ClinVar:

ClinVar aggregate classification (germline): Uncertain significance (1 of 4 stars; one submission).

Submission:

GeneDx
Classification: Uncertain significance. Last evaluated: 2024-04-17. Review status: criteria provided, single submitter. Criteria: GeneDx Variant Classification Process June 2021. Collection method: clinical testing. Allele origin: germline. Affected: yes.
Comment: Not observed at significant frequency in large population cohorts (gnomAD); In silico analysis supports that this missense variant has a deleterious effect on protein structure/function; Has not been previously published as pathogenic or benign to our knowledge

NM_144973.4(DENND5B):c.1721A>G (p.Lys574Arg)

Gene: DENND5B (DENN domain containing 5B; minus strand). Cytogenetic location: 12p11.21.
Variant type: single nucleotide variant.
Coding change: c.1721A>G on transcript NM_144973.4 (MANE Select); coding-DNA position 1721, A replaced by G.
Protein change: p.Lys574Arg; replaces lysine 574 with arginine.
Molecular consequence: missense variant.
Genome position (GRCh38, 1-based): chr12:31,447,678, T>C on the plus strand (A>G on the coding strand, the complement: DENND5B is on the minus strand). VCF-style: chr12-31447678-T-C. GRCh37 (hg19) VCF-style: chr12-31600612-T-C.
Other names: c.1826A>G, p.Lys609Arg (NM_001308339.2); c.1787A>G, p.Lys596Arg (NM_001366890.1); short protein forms K574R, K596R, K609R.
Identifiers: ClinVar variation 3372756 (VCV003372756.1).